The following is an entry in ClinVar:

ClinVar aggregate classification (germline): Uncertain significance (1 of 4 stars; one submission).

Allele frequency attached by ClinVar (database versions not stated): gnomAD 0.00001.

Submission:

Labcorp Genetics (formerly Invitae), Labcorp
Classification: Uncertain significance. Last evaluated: 2022-04-11. Review status: criteria provided, single submitter. Criteria: Invitae Variant Classification Sherloc (09022015). Collection method: clinical testing. Allele origin: germline.
Comment: This variant occurs in a non-coding region of the EYS gene. It does not change the encoded amino acid sequence of the EYS protein. This variant is not present in population databases (gnomAD no frequency). This variant has not been reported in the literature in individuals affected with EYS-related conditions. In summary, the available evidence is currently insufficient to determine the role of this variant in disease. Therefore, it has been classified as a Variant of Uncertain Significance.

NM_001142800.2(EYS):c.-262T>A

Gene: EYS (eyes shut homolog; minus strand). Cytogenetic location: 6q12.
Variant type: single nucleotide variant.
Coding change: c.-262T>A on transcript NM_001142800.2 (MANE Select); 262 bases upstream of the start codon, T replaced by A.
Molecular consequence: 5 prime UTR variant.
Genome position (GRCh38, 1-based): chr6:65,495,923, A>T on the plus strand (T>A on the coding strand, the complement: EYS is on the minus strand). VCF-style: chr6-65495923-A-T. GRCh37 (hg19) VCF-style: chr6-66205816-A-T.
Other names: c.-262T>A (NM_001142801.2, NM_001292009.2, NM_198283.2).
Identifiers: ClinVar variation 2193087 (VCV002193087.1), dbSNP rs1006079076, ClinGen allele CA1089905233.